The following is an entry in ClinVar:

ClinVar aggregate classification (germline): Conflicting classifications of pathogenicity. Review status: criteria provided, conflicting classifications (1 of 4 stars). 2 submissions from 2 submitters: Uncertain significance (1); Likely benign (1). Last evaluated 2026-02-03.

Conditions:
Hereditary cancer-predisposing syndrome. Also called: Neoplastic Syndromes, Hereditary; Hereditary Cancer Syndrome; Hereditary neoplastic syndrome; Tumor predisposition. Identifiers: Orphanet 140162, MedGen C0027672, MeSH D009386, MONDO:0015356.
Gastrointestinal stromal tumor. Also called: Gastrointestinal stroma tumor; Gastrointestinal stromal tumor, somatic. Identifiers: Orphanet 44890, MedGen C0238198, MeSH D046152, MONDO:0011719, OMIM 606764, HP:0100723.

Submissions (2):

Labcorp Genetics (formerly Invitae), Labcorp
Classification: Uncertain significance for Gastrointestinal stromal tumor. Last evaluated: 2026-02-03. Review status: criteria provided, single submitter. Criteria: Invitae Variant Classification Sherloc (09022015). Collection method: clinical testing. Allele origin: germline.
Comment: This sequence change replaces glutamine, which is neutral and polar, with arginine, which is basic and polar, at codon 190 of the KIT protein (p.Gln190Arg). This variant is not present in population databases (gnomAD no frequency). This variant has not been reported in the literature in individuals affected with KIT-related conditions. ClinVar contains an entry for this variant (Variation ID: 409734). An algorithm developed to predict the effect of missense changes on protein structure and function outputs the following: PolyPhen-2: "Benign". The arginine amino acid residue is found in multiple mammalian species, which suggests that this missense change does not adversely affect protein function. In summary, the available evidence is currently insufficient to determine the role of this variant in disease. Therefore, it has been classified as a Variant of Uncertain Significance.

Ambry Genetics
Classification: Likely benign for Hereditary cancer-predisposing syndrome. Last evaluated: 2021-12-22. Review status: criteria provided, single submitter. Criteria: Ambry Variant Classification Scheme 2023. Collection method: clinical testing. Allele origin: germline.

NM_000222.3(KIT):c.569A>G (p.Gln190Arg)

Gene: KIT (KIT proto-oncogene, receptor tyrosine kinase; plus strand). Cytogenetic location: 4q12.
Variant type: single nucleotide variant.
Coding change: c.569A>G on transcript NM_000222.3 (MANE Select); coding-DNA position 569, A replaced by G.
Protein change: p.Gln190Arg; replaces glutamine 190 with arginine.
Molecular consequence: missense variant.
Genome position (GRCh38, 1-based): chr4:54,698,515, A>G. VCF-style: chr4-54698515-A-G. GRCh37 (hg19) VCF-style: chr4-55564681-A-G.
Other names: c.569A>G, p.Gln190Arg (NM_001093772.2, NM_001385284.1, NM_001385285.1 and 4 more transcripts); short protein forms Q190R.
Identifiers: ClinVar variation 409734 (VCV000409734.11), dbSNP rs1060502547, ClinGen allele CA16611531.